The following is an entry in ClinVar:

ClinVar aggregate classification (germline): Likely benign (0 of 4 stars; one submission).

Conditions:
BRCA2-related disorder. Also called: BRCA2-related condition; BRCA2-related disorders. Identifiers: MedGen CN239275.

Submission:

PreventionGenetics, part of Exact Sciences
Classification: Likely benign for BRCA2-related condition. Last evaluated: 2024-04-09. Review status: no assertion criteria provided. Collection method: clinical testing. Allele origin: germline.
Comment: This variant is classified as likely benign based on ACMG/AMP sequence variant interpretation guidelines (Richards et al. 2015 PMID: 25741868, with internal and published modifications).

NM_000059.4(BRCA2):c.2676C>T (p.Phe892=)

Gene: BRCA2 (BRCA2 DNA repair associated; plus strand). Cytogenetic location: 13q13.1.
Variant type: single nucleotide variant.
Coding change: c.2676C>T on transcript NM_000059.4 (MANE Select); coding-DNA position 2676, C replaced by T.
Protein change: p.Phe892=; no amino-acid change (phenylalanine 892 retained).
Molecular consequence: synonymous variant. On other transcripts: non-coding transcript variant (1), intron variant (2).
Genome position (GRCh38, 1-based): chr13:32,337,031, C>T. VCF-style: chr13-32337031-C-T. GRCh37 (hg19) VCF-style: chr13-32911168-C-T.
Other names: c.2676C>T, p.Phe892= (NM_001406719.1, NM_001406720.1, NM_001432077.1); c.1909+3644C>T (NM_001406721.1); c.424+6001C>T (NM_001406722.1).
Identifiers: ClinVar variation 3344239 (VCV003344239.1).